The following is an entry in ClinVar:

ClinVar aggregate classification (germline): Uncertain significance (1 of 4 stars; one submission).

Conditions:
Menkes kinky-hair syndrome (MNK). Also called: Menkes Disease; Copper transport disease; Classic Menkes Disease. Identifiers: Orphanet 565, MedGen C0022716, MONDO:0010651, OMIM 309400.
Cutis laxa, X-linked (OHS). Also called: EDS IX; Occipital horn syndrome. Identifiers: Orphanet 198, MedGen C0268353, MONDO:0010572, OMIM 304150.
X-linked distal spinal muscular atrophy type 3. Also called: ATP7A-Related Distal Motor Neuropathy; SPINAL MUSCULAR ATROPHY, DISTAL, X-LINKED RECESSIVE; NEURONOPATHY, DISTAL HEREDITARY MOTOR, X-LINKED; NEUROPATHY, DISTAL HEREDITARY MOTOR, X-LINKED. Identifiers: Orphanet 139557, MedGen C1845359, MONDO:0010338, OMIM 300489.

Submission:

Labcorp Genetics (formerly Invitae), Labcorp
Classification: Uncertain significance for X-linked distal spinal muscular atrophy type 3; Cutis laxa, X-linked; Menkes kinky-hair syndrome. Last evaluated: 2025-05-08. Review status: criteria provided, single submitter. Criteria: Invitae Variant Classification Sherloc (09022015). Collection method: clinical testing. Allele origin: germline.
Comment: This sequence change replaces methionine, which is neutral and non-polar, with threonine, which is neutral and polar, at codon 674 of the ATP7A protein (p.Met674Thr). This variant is not present in population databases (gnomAD no frequency). This variant has not been reported in the literature in individuals affected with ATP7A-related conditions. Invitae Evidence Modeling of protein sequence and biophysical properties (such as structural, functional, and spatial information, amino acid conservation, physicochemical variation, residue mobility, and thermodynamic stability) indicates that this missense variant is not expected to disrupt ATP7A protein function with a negative predictive value of 95%. In summary, the available evidence is currently insufficient to determine the role of this variant in disease. Therefore, it has been classified as a Variant of Uncertain Significance.

NM_000052.7(ATP7A):c.2021T>C (p.Met674Thr)

Gene: ATP7A (ATPase copper transporting alpha; plus strand). Cytogenetic location: Xq21.1.
Variant type: single nucleotide variant.
Coding change: c.2021T>C on transcript NM_000052.7 (MANE Select); coding-DNA position 2021, T replaced by C.
Protein change: p.Met674Thr; replaces methionine 674 with threonine.
Molecular consequence: missense variant.
Genome position (GRCh38, 1-based): chrX:78,011,523, T>C. VCF-style: chrX-78011523-T-C. GRCh37 (hg19) VCF-style: chrX-77267020-T-C.
Other names: c.2021T>C, p.Met674Thr (NM_001282224.2); short protein forms M674T.
Identifiers: ClinVar variation 4789443 (VCV004789443.1).